The following is an entry in ClinVar:

NM_000540.3(RYR1):c.4128G>A (p.Lys1376=)

Gene: RYR1 (ryanodine receptor 1; plus strand). Cytogenetic location: 19q13.2.
Variant type: single nucleotide variant.
Coding change: c.4128G>A on transcript NM_000540.3 (MANE Select); coding-DNA position 4128, G replaced by A.
Protein change: p.Lys1376=; no amino-acid change (lysine 1376 retained).
Molecular consequence: synonymous variant.
Genome position (GRCh38, 1-based): chr19:38,473,739, G>A. VCF-style: chr19-38473739-G-A. GRCh37 (hg19) VCF-style: chr19-38964379-G-A.
Other names: c.4128G>A, p.Lys1376= (NM_001042723.2).
Identifiers: ClinVar variation 544521 (VCV000544521.13), dbSNP rs752177520, ClinGen allele CA065582.

ClinVar aggregate classification (germline): Likely benign. Review status: criteria provided, multiple submitters, no conflicts (2 of 4 stars). 3 submissions from 3 submitters: Likely benign (3). Last evaluated 2025-05-07.

Conditions:
Malignant hyperthermia, susceptibility to, 1 (MHS1). Also called: RYR1-Related Malignant Hyperthermia Susceptibility; Anesthesia related hyperthermia; Malignant hyperpyrexia; Fulminating hyperpyrexia; Pharmacogenic myopathy; Malignant hyperthermia suceptibility 1. Identifiers: Orphanet 423, MedGen C2930980, MONDO:0007783, OMIM 145600.
RYR1-related disorder. Also called: RYR1-related condition; RYR1-related disorders. Identifiers: MedGen CN239331.

Allele frequency attached by ClinVar (database versions not stated): TOPMed below 0.00001; gnomAD 0.00001 and 0.00002; gnomAD exomes 0.00001 and 0.00002; ExAC 0.00010.
gnomAD v4.1: 10 of 1,525,130 alleles (0.00066%); highest among the groups gnomAD compares: Middle Eastern, 0.018%; no homozygotes.

Submissions (3):

Labcorp Genetics (formerly Invitae), Labcorp
Classification: Likely benign for RYR1-related disorder. Last evaluated: 2025-05-07. Review status: criteria provided, single submitter. Criteria: Invitae Variant Classification Sherloc (09022015). Collection method: clinical testing. Allele origin: germline.

All of Us Research Program, National Institutes of Health
Classification: Likely benign for Malignant hyperthermia, susceptibility to, 1. Last evaluated: 2024-07-20. Review status: criteria provided, single submitter. Criteria: ACMG Guidelines, 2015. Collection method: clinical testing. Allele origin: germline. Inheritance: Autosomal dominant inheritance. Observed: 4 variant alleles, 4 heterozygotes.
Comment: This study involves interpretation of variants in research participants for the purpose of population health screening. Participant phenotype was not available at the time of variant classification. Additional details can be found in publication PMID: 35346344, PMCID: PMC8962531

Color Diagnostics, LLC DBA Color Health
Classification: Likely benign for Malignant hyperthermia, susceptibility to, 1. Last evaluated: 2023-06-07. Review status: criteria provided, single submitter. Criteria: ACMG Guidelines, 2015. Collection method: clinical testing. Allele origin: germline.